The following is an entry in ClinVar:

NC_000010.10:g.(?_55581618)_(55663150_?)del

Gene: PCDH15 (protocadherin related 15; minus strand). Cytogenetic location: 10q21.1.
Variant type: Deletion.
Identifiers: ClinVar variation 1458513 (VCV001458513.4).

ClinVar aggregate classification (germline): Pathogenic (1 of 4 stars; one submission).

Submission:

Labcorp Genetics (formerly Invitae), Labcorp
Classification: Pathogenic. Last evaluated: 2023-06-27. Review status: criteria provided, single submitter. Criteria: Invitae Variant Classification Sherloc (09022015). Collection method: clinical testing. Allele origin: germline.
Comment: For these reasons, this variant has been classified as Pathogenic. This variant disrupts a region of the PCDH15 protein in which other variant(s) (p.Gln1576*) have been determined to be pathogenic (PMID: 28281779). This suggests that this is a clinically significant region of the protein, and that variants that disrupt it are likely to be disease-causing. This variant has not been reported in the literature in individuals affected with PCDH15-related conditions. This variant is a gross deletion of the genomic region encompassing exon(s) 26-33 of the PCDH15 gene, which includes the termination codon. This deletion extends beyond the assayed region for this gene and therefore may encompass additional genes. While this deletion is not anticipated to lead to nonsense mediated decay, it is expected to alter mRNA translation or result in a truncated protein product.

Literature cited by the submitters: PubMed 28281779.